The following is an entry in ClinVar:

ClinVar aggregate classification (germline): Uncertain significance. Review status: criteria provided, multiple submitters, no conflicts (2 of 4 stars). 2 submissions from 2 submitters: Uncertain significance (2). Last evaluated 2024-09-29.

Conditions:
Beckwith-Wiedemann syndrome (BWS). Also called: EMG SYNDROME; Exomphalos macroglossia gigantism syndrome. Identifiers: Orphanet 116, MedGen C0004903, MONDO:0007534, OMIM 130650.

Allele frequency attached by ClinVar (database versions not stated): gnomAD 0.00001; gnomAD exomes 0.00001; TOPMed 0.00002; ExAC 0.00005.

Submissions (2):

Labcorp Genetics (formerly Invitae), Labcorp
Classification: Uncertain significance for Beckwith-Wiedemann syndrome. Last evaluated: 2024-09-29. Review status: criteria provided, single submitter. Criteria: Invitae Variant Classification Sherloc (09022015). Collection method: clinical testing. Allele origin: germline.
Comment: This sequence change replaces serine, which is neutral and polar, with threonine, which is neutral and polar, at codon 268 of the CDKN1C protein (p.Ser268Thr). This variant is present in population databases (rs781340171, gnomAD 0.004%). This variant has not been reported in the literature in individuals affected with CDKN1C-related conditions. ClinVar contains an entry for this variant (Variation ID: 524702). Invitae Evidence Modeling of protein sequence and biophysical properties (such as structural, functional, and spatial information, amino acid conservation, physicochemical variation, residue mobility, and thermodynamic stability) indicates that this missense variant is not expected to disrupt CDKN1C protein function with a negative predictive value of 80%. In summary, the available evidence is currently insufficient to determine the role of this variant in disease. Therefore, it has been classified as a Variant of Uncertain Significance.

Baylor Genetics
Classification: Uncertain significance for Beckwith-Wiedemann syndrome. Last evaluated: 2023-10-19. Review status: criteria provided, single submitter. Criteria: ACMG Guidelines, 2015. Collection method: clinical testing. Allele origin: unknown.

NM_001122630.2(CDKN1C):c.769T>A (p.Ser257Thr)

Gene: CDKN1C (cyclin dependent kinase inhibitor 1C; minus strand). Cytogenetic location: 11p15.4.
Variant type: single nucleotide variant.
Coding change: c.769T>A on transcript NM_001122630.2 (MANE Select); coding-DNA position 769, T replaced by A.
Protein change: p.Ser257Thr; replaces serine 257 with threonine.
Molecular consequence: missense variant. On other transcripts: intron variant (1).
Genome position (GRCh38, 1-based): chr11:2,884,688, A>T on the plus strand (T>A on the coding strand, the complement: CDKN1C is on the minus strand). VCF-style: chr11-2884688-A-T. GRCh37 (hg19) VCF-style: chr11-2905918-A-T.
Other names: c.802T>A, p.Ser268Thr (LRG_533t1, NM_000076.2, NM_001362474.2); c.769T>A, p.Ser257Thr (NM_001122631.2); c.255+514T>A (NM_001362475.2); short protein forms S268T, S257T.
Identifiers: ClinVar variation 524702 (VCV000524702.7), dbSNP rs781340171, ClinGen allele CA5822169.